The following is an entry in ClinVar:

ClinVar aggregate classification (germline): Uncertain significance (1 of 4 stars; one submission).

Conditions:
Inborn genetic diseases. Identifiers: MedGen C0950123, MeSH D030342.

Allele frequency attached by ClinVar (database versions not stated): TOPMed below 0.00001; gnomAD exomes below 0.00001.
gnomAD v4.1: 12 of 1,612,510 alleles (0.00074%); highest among the groups gnomAD compares: East Asian, 0.0045%; 1 homozygote.

Submission:

Ambry Genetics
Classification: Uncertain significance for Inborn genetic diseases. Last evaluated: 2026-05-10. Review status: criteria provided, single submitter. Criteria: Ambry Variant Classification Scheme 2023. Collection method: clinical testing. Allele origin: germline.
Comment: The c.280G>A (p.A94T) alteration is located in exon 1 (coding exon 1) of the COG8 gene. This alteration results from a G to A substitution at nucleotide position 280, causing the alanine (A) at amino acid position 94 to be replaced by a threonine (T). Based on data from gnomAD, the A allele has an overall frequency of <0.001% (1/243216) total alleles studied. The highest observed frequency was 0.003% (1/30514) of South Asian alleles. Based on insufficient or conflicting evidence, the clinical significance of this alteration remains unclear.

NM_032382.5(COG8):c.280G>A (p.Ala94Thr)

Genes: COG8 (component of oligomeric golgi complex 8; minus strand), LOC130059305 (ATAC-STARR-seq lymphoblastoid silent region 7658; plus strand). Cytogenetic location: 16q22.1.
Variant type: single nucleotide variant.
Coding change: c.280G>A on transcript NM_032382.5 (MANE Select); coding-DNA position 280, G replaced by A.
Protein change: p.Ala94Thr; replaces alanine 94 with threonine.
Molecular consequence: missense variant.
Genome position (GRCh38, 1-based): chr16:69,339,273, C>T on the plus strand (G>A on the coding strand, the complement: COG8 is on the minus strand). VCF-style: chr16-69339273-C-T. GRCh37 (hg19) VCF-style: chr16-69373176-C-T.
Other names: c.280G>A, p.Ala94Thr (NM_001374871.1, NM_001379261.1, NM_001379262.1 and 4 more transcripts); short protein forms A94T.
Identifiers: ClinVar variation 2607896 (VCV002607896.3), dbSNP rs372433616, ClinGen allele CA283365566.